The following is an entry in ClinVar:

ClinVar aggregate classification (germline): Pathogenic. Review status: criteria provided, multiple submitters, no conflicts (2 of 4 stars). 4 submissions from 4 submitters: Pathogenic (2). 2 of the submissions do not count toward it. Last evaluated 2022-07-03.

Conditions:
Familial thoracic aortic aneurysm and aortic dissection (TAAD). Also called: Thoracic aortic aneurysms and dissections. Identifiers: Orphanet 91387, MedGen C4707243, MONDO:0019625.
Marfan syndrome (MFS). Also called: Marfan syndrome type 1; Marfan syndrome, classic; Marfan's syndrome; FBN1-Related Marfan Syndrome; MARFAN SYNDROME, TYPE I. Identifiers: Orphanet 284963, Orphanet 558, MedGen C0024796, MONDO:0007947, OMIM 154700.

Submissions (4):

Labcorp Genetics (formerly Invitae), Labcorp
Classification: Pathogenic for Marfan syndrome; Familial thoracic aortic aneurysm and aortic dissection. Last evaluated: 2022-07-03. Review status: criteria provided, single submitter. Criteria: Invitae Variant Classification Sherloc (09022015). Collection method: clinical testing. Allele origin: germline.
Comment: For these reasons, this variant has been classified as Pathogenic. This variant affects a cysteine residue in the EGF-like, TGFBP or hybrid motif domains of FBN1. Cysteine residues are believed to be involved in intramolecular disulfide bridges and have been shown to be important for FBN1 protein structure (PMID: 16905551, 19349279). In addition, missense substitutions affecting cysteine residues within these domains are significantly overrepresented among patients with Marfan syndrome (PMID: 16571647, 17701892). Advanced modeling of protein sequence and biophysical properties (such as structural, functional, and spatial information, amino acid conservation, physicochemical variation, residue mobility, and thermodynamic stability) performed at Invitae indicates that this missense variant is expected to disrupt FBN1 protein function. ClinVar contains an entry for this variant (Variation ID: 549097). This missense change has been observed in individuals with Marfan syndrome (PMID: 24078565, 31163209). This variant is not present in population databases (gnomAD no frequency). This sequence change replaces cysteine, which is neutral and slightly polar, with tyrosine, which is neutral and polar, at codon 862 of the FBN1 protein (p.Cys862Tyr).

Ambry Genetics
Classification: Pathogenic for Familial thoracic aortic aneurysm and aortic dissection. Last evaluated: 2022-04-21. Review status: criteria provided, single submitter. Criteria: Ambry Variant Classification Scheme 2023. Collection method: clinical testing. Allele origin: germline.
Comment: The p.C862Y pathogenic mutation (also known as c.2585G>A), located in coding exon 21 of the FBN1 gene, results from a G to A substitution at nucleotide position 2585. The cysteine at codon 862 is replaced by tyrosine, an amino acid with highly dissimilar properties. The majority of FBN1 mutations identified to date have involved the substitution or generation of cysteine residues within cbEGF domains (Vollbrandt T et al. J Biol Chem. 2004;279(31):32924-32931). This variant has been detected in individuals with Marfan syndrome (MFS) (Madar L et al. J Biotechnol, 2019 Aug;301:105-111; Ambry internal data). Based on internal structural assessment, this alteration eliminates a structurally critical disulfide bond in the hybrid motif #02 region. This variant is considered to be rare based on population cohorts in the Genome Aggregation Database (gnomAD). In addition, this alteration is predicted to be deleterious by in silico analysis. Based on the supporting evidence, this alteration is interpreted as a disease-causing mutation.

Department of Laboratory Medicine and Genetics, Samsung Medical Center
Classification: Pathogenic for Marfan syndrome. Last evaluated: 2025-01-02. Review status: no assertion criteria provided. Collection method: clinical testing. Allele origin: germline. Not counted in ClinVar's aggregate classification.
Comment: The NM_000138.5:c.2585G>A is considered to be rare in the general population database (gnomAD v2.1.1). This variant is predicted to be deleterious by in-silico analysis (REVEL). This variant is located in functional domains and a different missense variant at the same residue is determined to be pathogenic (c.2584T>C, p.Cys862Arg; c.2585G>T, p.Cys862Phe; c.2584T>A, p.Cys862Ser). This variant was found in a patient with Marfan syndrome meeting revised Ghent criteria (PMID: 33844962; 38190127). According to the ClinGen guidance for PP1/BS4 and PP4 criteria (PMID: 38103548), PP4 with weighted strength was applied. In summary, this variant was classified as a pathogenic variant for Marfan syndrome (PM1, PM5, PP2, PP3, PP4 with weighted strength, PM2_P).

Center for Medical Genetics Ghent, University of Ghent
Classification: Likely pathogenic for Marfan syndrome. Last evaluated: 2017-11-07. Review status: no assertion criteria provided. Collection method: clinical testing. Allele origin: de novo. Affected: yes. Not counted in ClinVar's aggregate classification.

Literature cited by the submitters: PubMed 16905551 (cited by Labcorp Genetics (formerly Invitae), Labcorp); PubMed 19349279 (cited by Labcorp Genetics (formerly Invitae), Labcorp); PubMed 16571647 (cited by Labcorp Genetics (formerly Invitae), Labcorp); PubMed 17701892 (cited by Labcorp Genetics (formerly Invitae), Labcorp); PubMed 24078565 (cited by 3 submitters); PubMed 31163209 (cited by Labcorp Genetics (formerly Invitae), Labcorp and Ambry Genetics); PubMed 31106028 (cited by Ambry Genetics); PubMed 33844962 (cited by Department of Laboratory Medicine and Genetics, Samsung Medical Center); PubMed 37558401 (cited by Department of Laboratory Medicine and Genetics, Samsung Medical Center); PubMed 38190127 (cited by Department of Laboratory Medicine and Genetics, Samsung Medical Center).

NM_000138.5(FBN1):c.2585G>A (p.Cys862Tyr)

Gene: FBN1 (fibrillin 1; minus strand). Cytogenetic location: 15q21.1.
Variant type: single nucleotide variant.
Coding change: c.2585G>A on transcript NM_000138.5 (MANE Select); coding-DNA position 2585, G replaced by A.
Protein change: p.Cys862Tyr; replaces cysteine 862 with tyrosine.
Molecular consequence: missense variant.
Genome position (GRCh38, 1-based): chr15:48,495,215, C>T on the plus strand (G>A on the coding strand, the complement: FBN1 is on the minus strand). VCF-style: chr15-48495215-C-T. GRCh37 (hg19) VCF-style: chr15-48787412-C-T.
Other names: short protein forms C862Y.
Identifiers: ClinVar variation 549097 (VCV000549097.8), dbSNP rs1555399162, ClinGen allele CA392332712.